The following is an entry in ClinVar:

ClinVar aggregate classification (germline): Uncertain significance (1 of 4 stars; one submission).

Conditions:
Arrhythmogenic right ventricular cardiomyopathy (ARVD). Also called: Arrhythmogenic right ventricular dysplasia; Cardiomyopathy, ARVC; Arrhythmogenic cardiomyopathy; Arrhythmogenic Right Ventricular Cardiomyopathy (ARVC). Identifiers: Orphanet 247, MedGen C0349788, MeSH D019571, MONDO:0016587. Disease mechanism: loss of function. Inheritance: Various modes of inheritance.

Submission:

All of Us Research Program, National Institutes of Health
Classification: Uncertain significance for Arrhythmogenic right ventricular cardiomyopathy. Last evaluated: 2023-12-13. Review status: criteria provided, single submitter. Criteria: ACMG Guidelines, 2015. Collection method: clinical testing. Allele origin: germline. Inheritance: Autosomal dominant inheritance. Observed: 2 variant alleles, 2 heterozygotes.
Comment: This missense variant replaces arginine with lysine at codon 146 of the PKP2 protein. Computational prediction suggests that this variant may not impact protein structure and function (internally defined REVEL score threshold <= 0.5, PMID: 27666373). To our knowledge, functional studies have not been reported for this variant. This variant has not been reported in individuals affected with cardiovascular disorders in the literature. This variant has not been identified in the general population by the Genome Aggregation Database (gnomAD). The available evidence is insufficient to determine the role of this variant in disease conclusively. Therefore, this variant is classified as a Variant of Uncertain Significance.

This study involves interpretation of variants in research participants for the purpose of population health screening. Participant phenotype was not available at the time of variant classification. Additional details can be found in publication PMID: 35346344, PMCID: PMC8962531

NM_001005242.3(PKP2):c.437G>A (p.Arg146Lys)

Gene: PKP2 (plakophilin 2; minus strand). Cytogenetic location: 12p11.21.
Variant type: single nucleotide variant.
Coding change: c.437G>A on transcript NM_001005242.3 (MANE Select); coding-DNA position 437, G replaced by A.
Protein change: p.Arg146Lys; replaces arginine 146 with lysine.
Molecular consequence: missense variant.
Genome position (GRCh38, 1-based): chr12:32,878,443, C>T on the plus strand (G>A on the coding strand, the complement: PKP2 is on the minus strand). VCF-style: chr12-32878443-C-T. GRCh37 (hg19) VCF-style: chr12-33031377-C-T.
Other names: c.437G>A, p.Arg146Lys (NM_001407155.1, NM_001407156.1, NM_001407157.1 and 2 more transcripts); c.110G>A, p.Arg37Lys (NM_001407158.1, NM_001407159.1, NM_001407160.1 and 1 more transcripts); short protein forms R146K, R37K.
Identifiers: ClinVar variation 3069614 (VCV003069614.1), dbSNP rs2541342360, ClinGen allele CA384365268.
Genomic context (GRCh38, chr12:32,878,443, plus strand): 5'-TAATCGCTGTGCGTGTAGTGAGCCCTCTCCGGGCTGCTGTCAGGAGAAATCTCCAGTCTC[C>T]TCAGAGGATGCCTCAAGGACCTTTCTTCCACGGACTTCTGGGAGCTGTACTGTGCTGTTC-3'
Protein context (NP_001005242.2, residues 136-156): VEERSLRHPL[Arg146Lys]RLEISPDSSP